The following is an entry in ClinVar:

NM_002900.3(RBP3):c.1400C>T (p.Pro467Leu)

Gene: RBP3 (retinol binding protein 3; plus strand). Cytogenetic location: 10q11.22.
Variant type: single nucleotide variant.
Coding change: c.1400C>T on transcript NM_002900.3 (MANE Select); coding-DNA position 1400, C replaced by T.
Protein change: p.Pro467Leu; replaces proline 467 with leucine.
Molecular consequence: missense variant.
Genome position (GRCh38, 1-based): chr10:47,349,884, C>T. VCF-style: chr10-47349884-C-T. GRCh37 (hg19) VCF-style: chr10-48389478-G-A.
Other names: short protein forms P467L.
Identifiers: ClinVar variation 964038 (VCV000964038.11), dbSNP rs782566834, ClinGen allele CA5487531.
Genomic context (GRCh38, chr10:47,349,884, plus strand): 5'-TTGCTGACGCCTCCGTCCTGGGTGTGTTGGCCCCATATGTCCTGCGCCAGGTGTGGGAGC[C>T]GCTACAGGACACGGAGCACCTCATCATGGACCTGCGCCACAACCCTGGAGGGCCATCCTC-3'
Protein context (NP_002891.1, residues 457-477): APYVLRQVWE[Pro467Leu]LQDTEHLIMD

ClinVar aggregate classification (germline): Uncertain significance. Review status: criteria provided, multiple submitters, no conflicts (2 of 4 stars). 3 submissions from 3 submitters: Uncertain significance (3). Last evaluated 2024-10-21.

Conditions:
Inborn genetic diseases. Identifiers: MedGen C0950123, MeSH D030342.

Allele frequency attached by ClinVar (database versions not stated): gnomAD exomes 0.00002; ExAC 0.00003; gnomAD 0.00003; TOPMed 0.00003.
gnomAD v4.1: 14 of 1,613,040 alleles (0.00087%); highest among the groups gnomAD compares: African/African-American, 0.0067%; no homozygotes.

Submissions (3):

Blueprint Genetics
Classification: Uncertain significance. Last evaluated: 2024-10-21. Review status: criteria provided, single submitter. Criteria: ACMG Guidelines, 2015. Collection method: clinical testing. Allele origin: germline.

Labcorp Genetics (formerly Invitae), Labcorp
Classification: Uncertain significance. Last evaluated: 2022-07-11. Review status: criteria provided, single submitter. Criteria: Invitae Variant Classification Sherloc (09022015). Collection method: clinical testing. Allele origin: germline.
Comment: This sequence change replaces proline, which is neutral and non-polar, with leucine, which is neutral and non-polar, at codon 467 of the RBP3 protein (p.Pro467Leu). This variant is present in population databases (rs782566834, gnomAD 0.008%). This variant has not been reported in the literature in individuals affected with RBP3-related conditions. ClinVar contains an entry for this variant (Variation ID: 964038). Algorithms developed to predict the effect of missense changes on protein structure and function are either unavailable or do not agree on the potential impact of this missense change (SIFT: "Deleterious"; PolyPhen-2: "Probably Damaging"; Align-GVGD: "Class C0"). In summary, the available evidence is currently insufficient to determine the role of this variant in disease. Therefore, it has been classified as a Variant of Uncertain Significance.

Ambry Genetics
Classification: Uncertain significance for Inborn genetic diseases. Last evaluated: 2021-11-12. Review status: criteria provided, single submitter. Criteria: Ambry Variant Classification Scheme 2023. Collection method: clinical testing. Allele origin: germline.